The following is an entry in ClinVar:

ClinVar aggregate classification (germline): Uncertain significance. Review status: criteria provided, multiple submitters, no conflicts (2 of 4 stars). 3 submissions from 3 submitters: Uncertain significance (3). Last evaluated 2025-04-02.

Allele frequency attached by ClinVar (database versions not stated): TOPMed 0.00001.
gnomAD v4.1: 2 of 1,555,402 alleles (0.00013%); highest among the groups gnomAD compares: Non-Finnish European, 0.00017%; no homozygotes.

Submissions (3):

Women's Health and Genetics/Laboratory Corporation of America, LabCorp
Classification: Uncertain significance. Last evaluated: 2025-04-02. Review status: criteria provided, single submitter. Criteria: LabCorp Variant Classification Summary - May 2015. Collection method: clinical testing. Allele origin: germline.
Comment: Variant summary: NPHP3 c.518A>G (p.Lys173Arg) results in a conservative amino acid change in the encoded protein sequence. Four of five in-silico tools predict a damaging effect of the variant on protein function. Several computational tools predict a significant impact on normal splicing: One predict the variant abolishes a 5' splicing donor site. Two predict the variant weakens a 5' donor site. However, these predictions have yet to be confirmed by functional studies. The variant allele was found at a frequency of 4.2e-06 in 237006 control chromosomes. c.518A>G has been reported in the literature in individuals affected with Joubert Syndrome And Related Disorders (Halbritter_2013, Konig_2022). These data indicate that the variant may be associated with disease. To our knowledge, no experimental evidence demonstrating an impact on protein function has been reported. The following publications have been ascertained in the context of this evaluation (PMID: 23559409, 36090483). ClinVar contains an entry for this variant (Variation ID: 195422). Based on the evidence outlined above, the variant was classified as VUS-possibly pathogenic.

Mayo Clinic Laboratories, Mayo Clinic
Classification: Uncertain significance. Last evaluated: 2024-11-22. Review status: criteria provided, single submitter. Criteria: ACMG Guidelines, 2015. Collection method: clinical testing. Allele origin: germline. Observed: 1 variant allele.
Comment: PM2_supporting, PM3, PS4_moderate

Eurofins Ntd Llc (ga)
Classification: Uncertain significance. Last evaluated: 2014-06-18. Review status: criteria provided, single submitter. Criteria: EGL Classification Definitions 2015. Collection method: clinical testing. Allele origin: germline. Observed: 1 variant allele, 1 heterozygote.

Literature cited by the submitters: PubMed 23559409 (cited by Women's Health and Genetics/Laboratory Corporation of America, LabCorp and Mayo Clinic Laboratories, Mayo Clinic); PubMed 36090483 (cited by Women's Health and Genetics/Laboratory Corporation of America, LabCorp and Mayo Clinic Laboratories, Mayo Clinic).

NM_153240.5(NPHP3):c.518A>G (p.Lys173Arg)

Genes: NPHP3-ACAD11 (NPHP3-ACAD11 readthrough (NMD candidate); minus strand), NPHP3 (nephrocystin 3; minus strand). Cytogenetic location: 3q22.1.
Variant type: single nucleotide variant.
Coding change: c.518A>G on transcript NM_153240.5 (MANE Select); coding-DNA position 518, A replaced by G.
Protein change: p.Lys173Arg; replaces lysine 173 with arginine.
Molecular consequence: missense variant. On other transcripts: non-coding transcript variant (1).
Genome position (GRCh38, 1-based): chr3:132,719,706, T>C on the plus strand (A>G on the coding strand, the complement: NPHP3 is on the minus strand). VCF-style: chr3-132719706-T-C. GRCh37 (hg19) VCF-style: chr3-132438550-T-C.
Other names: p.Lys173Arg; short protein forms K173R.
Identifiers: ClinVar variation 195422 (VCV000195422.8), dbSNP rs794727311, ClinGen allele CA241853.